The following is an entry in ClinVar:

NM_004629.2(FANCG):c.410C>G (p.Ser137Cys)

Gene: FANCG (FA complementation group G; minus strand). Cytogenetic location: 9p13.3.
Variant type: single nucleotide variant.
Coding change: c.410C>G on transcript NM_004629.2 (MANE Select); coding-DNA position 410, C replaced by G.
Protein change: p.Ser137Cys; replaces serine 137 with cysteine.
Molecular consequence: missense variant.
Genome position (GRCh38, 1-based): chr9:35,078,241, G>C on the plus strand (C>G on the coding strand, the complement: FANCG is on the minus strand). VCF-style: chr9-35078241-G-C. GRCh37 (hg19) VCF-style: chr9-35078238-G-C.
Other names: c.410C>G (NM_004629.1); short protein forms S137C.
Identifiers: ClinVar variation 1427018 (VCV001427018.8), dbSNP rs1203036492, ClinGen allele CA373314454.
Genomic context (GRCh38, chr9:35,078,241, plus strand): 5'-CCAAGACGGTCAGCACTCAACCAGAGGGCAGCCTGCAGGCCAACCAGGCGGTGCAGGGCA[G>C]ACAGCAGCTCCGGCAGAAGGCAGGAAGCACGAAGGACAGAGTCCCACAGCTCCCTGAGCC-3'
Protein context (NP_004620.1, residues 127-147): RASCLLPELL[Ser137Cys]ALHRLVGLQA

ClinVar aggregate classification (germline): Uncertain significance. Review status: criteria provided, multiple submitters, no conflicts (2 of 4 stars). 3 submissions from 3 submitters: Uncertain significance (2). 1 of the submissions does not count toward it. Last evaluated 2025-02-09.

Conditions:
Inborn genetic diseases. Identifiers: MedGen C0950123, MeSH D030342.
Fanconi anemia (FA). Also called: Fanconi's anemia. Identifiers: Orphanet 84, MedGen C0015625, MeSH D005199, MONDO:0019391.
Fanconi anemia complementation group G. Also called: Fanconi anemia group G; FANCG-Related Fanconi Anemia. Identifiers: Orphanet 84, MedGen C3469527, MONDO:0013565, OMIM 614082.

Allele frequency attached by ClinVar (database versions not stated): gnomAD exomes below 0.00001; TOPMed below 0.00001.
gnomAD v4.1: 1 of 1,614,184 alleles (0.000062%); highest among the groups gnomAD compares: Admixed American, 0.0017%; no homozygotes.

Submissions (3):

Ambry Genetics
Classification: Uncertain significance for Inborn genetic diseases. Last evaluated: 2025-02-09. Review status: criteria provided, single submitter. Criteria: Ambry Variant Classification Scheme 2023. Collection method: clinical testing. Allele origin: germline.
Comment: The p.S137C variant (also known as c.410C>G), located in coding exon 4 of the FANCG gene, results from a C to G substitution at nucleotide position 410. The serine at codon 137 is replaced by cysteine, an amino acid with dissimilar properties. This amino acid position is conserved. In addition, this alteration is predicted to be tolerated by in silico analysis. Based on the available evidence, the clinical significance of this variant remains unclear.

Labcorp Genetics (formerly Invitae), Labcorp
Classification: Uncertain significance for Fanconi anemia. Last evaluated: 2022-09-22. Review status: criteria provided, single submitter. Criteria: Invitae Variant Classification Sherloc (09022015). Collection method: clinical testing. Allele origin: germline.
Comment: In summary, the available evidence is currently insufficient to determine the role of this variant in disease. Therefore, it has been classified as a Variant of Uncertain Significance. Advanced modeling of protein sequence and biophysical properties (such as structural, functional, and spatial information, amino acid conservation, physicochemical variation, residue mobility, and thermodynamic stability) performed at Invitae indicates that this missense variant is not expected to disrupt FANCG protein function. ClinVar contains an entry for this variant (Variation ID: 1427018). This variant has not been reported in the literature in individuals affected with FANCG-related conditions. This variant is present in population databases (no rsID available, gnomAD 0.003%). This sequence change replaces serine, which is neutral and polar, with cysteine, which is neutral and slightly polar, at codon 137 of the FANCG protein (p.Ser137Cys).

Natera, Inc.
Classification: Uncertain significance for Fanconi anemia group G. Last evaluated: 2025-02-03. Review status: no assertion criteria provided. Collection method: clinical testing. Allele origin: germline. Not counted in ClinVar's aggregate classification.